The following is an entry in ClinVar:

ClinVar aggregate classification (germline): Uncertain significance (1 of 4 stars; one submission).

Allele frequency attached by ClinVar (database versions not stated): gnomAD exomes below 0.00001.

Submission:

Labcorp Genetics (formerly Invitae), Labcorp
Classification: Uncertain significance. Last evaluated: 2024-01-10. Review status: criteria provided, single submitter. Criteria: Invitae Variant Classification Sherloc (09022015). Collection method: clinical testing. Allele origin: germline.
Comment: This sequence change replaces alanine, which is neutral and non-polar, with aspartic acid, which is acidic and polar, at codon 244 of the KCNK4 protein (p.Ala244Asp). This variant is not present in population databases (gnomAD no frequency). This variant has not been reported in the literature in individuals affected with KCNK4-related conditions. An algorithm developed to predict the effect of missense changes on protein structure and function (PolyPhen-2) suggests that this variant is likely to be disruptive. This variant disrupts the p.Ala244 amino acid residue in KCNK4. Other variant(s) that disrupt this residue have been determined to be pathogenic (PMID: 30290154). This suggests that this residue is clinically significant, and that variants that disrupt this residue are likely to be disease-causing. In summary, the available evidence is currently insufficient to determine the role of this variant in disease. Therefore, it has been classified as a Variant of Uncertain Significance.

Literature cited by the submitters: PubMed 30290154.

NM_033310.3(KCNK4):c.731C>A (p.Ala244Asp)

Genes: KCNK4 (potassium two pore domain channel subfamily K member 4; plus strand), KCNK4-CATSPERZ (KCNK4-CATSPERZ readthrough (NMD candidate); plus strand). Cytogenetic location: 11q13.1.
Variant type: single nucleotide variant.
Coding change: c.731C>A on transcript NM_033310.3 (MANE Select); coding-DNA position 731, C replaced by A.
Protein change: p.Ala244Asp; replaces alanine 244 with aspartic acid.
Molecular consequence: missense variant. On other transcripts: non-coding transcript variant (3).
Genome position (GRCh38, 1-based): chr11:64,298,179, C>A. VCF-style: chr11-64298179-C-A. GRCh37 (hg19) VCF-style: chr11-64065651-C-A.
Other names: c.731C>A, p.Ala244Asp (NM_001317090.2, NM_033311.1); short protein forms A244D.
Identifiers: ClinVar variation 2875589 (VCV002875589.3), dbSNP rs2495694659, ClinGen allele CA381066209.